The following is an entry in ClinVar:

ClinVar aggregate classification (germline): Uncertain significance. Review status: criteria provided, multiple submitters, no conflicts (2 of 4 stars). 3 submissions from 3 submitters: Uncertain significance (3). Last evaluated 2026-01-28.

Conditions:
Dilated cardiomyopathy 1GG (CMD1GG). Identifiers: Orphanet 154, MedGen C3150898, MONDO:0013339, OMIM 613642.
Mitochondrial complex II deficiency, nuclear type 1. Also called: SUCCINATE CoQ REDUCTASE DEFICIENCY. Identifiers: Orphanet 3208, MedGen C5700310, MONDO:0100294, OMIM 252011.
Pheochromocytoma/paraganglioma syndrome 5. Also called: Paragangliomas 5; SDHA-Related Hereditary Paraganglioma-Pheochromocytoma Syndrome. Identifiers: Orphanet 29072, MedGen C3279992, MONDO:0013602, OMIM 614165.
Hereditary cancer-predisposing syndrome. Also called: Neoplastic Syndromes, Hereditary; Hereditary neoplastic syndrome; Tumor predisposition; Hereditary Cancer Syndrome. Identifiers: Orphanet 140162, MedGen C0027672, MeSH D009386, MONDO:0015356.

Allele frequency attached by ClinVar (database versions not stated): TOPMed below 0.00001.
gnomAD v4.1: 1 of 1,614,116 alleles (0.000062%); highest among the groups gnomAD compares: African/African-American, 0.0013%; no homozygotes.

Submissions (3):

Ambry Genetics
Classification: Uncertain significance for Hereditary cancer-predisposing syndrome. Last evaluated: 2026-01-28. Review status: criteria provided, single submitter. Criteria: Ambry Variant Classification Scheme 2023. Collection method: clinical testing. Allele origin: germline.
Comment: The p.V343E variant (also known as c.1028T>A), located in coding exon 8 of the SDHA gene, results from a T to A substitution at nucleotide position 1028. The valine at codon 343 is replaced by glutamic acid, an amino acid with dissimilar properties. This amino acid position is highly conserved in available vertebrate species. In addition, this alteration is predicted to be deleterious by in silico analysis. Based on the available evidence, the clinical significance of this variant remains unclear.

Labcorp Genetics (formerly Invitae), Labcorp
Classification: Uncertain significance for Pheochromocytoma/paraganglioma syndrome 5; Mitochondrial complex II deficiency, nuclear type 1. Last evaluated: 2025-06-06. Review status: criteria provided, single submitter. Criteria: Invitae Variant Classification Sherloc (09022015). Collection method: clinical testing. Allele origin: germline.
Comment: This sequence change replaces valine, which is neutral and non-polar, with glutamic acid, which is acidic and polar, at codon 343 of the SDHA protein (p.Val343Glu). This variant is not present in population databases (gnomAD no frequency). This variant has not been reported in the literature in individuals affected with SDHA-related conditions. ClinVar contains an entry for this variant (Variation ID: 861976). Invitae Evidence Modeling of protein sequence and biophysical properties (such as structural, functional, and spatial information, amino acid conservation, physicochemical variation, residue mobility, and thermodynamic stability) has been performed for this missense variant. However, the output from this modeling did not meet the statistical confidence thresholds required to predict the impact of this variant on SDHA protein function. In summary, the available evidence is currently insufficient to determine the role of this variant in disease. Therefore, it has been classified as a Variant of Uncertain Significance.

Baylor Genetics
Classification: Uncertain significance for Dilated cardiomyopathy 1GG. Last evaluated: 2023-08-01. Review status: criteria provided, single submitter. Criteria: ACMG Guidelines, 2015. Collection method: clinical testing. Allele origin: unknown.

NM_004168.4(SDHA):c.1028T>A (p.Val343Glu)

Gene: SDHA (succinate dehydrogenase complex flavoprotein subunit A; plus strand). Cytogenetic location: 5p15.33.
Variant type: single nucleotide variant.
Coding change: c.1028T>A on transcript NM_004168.4 (MANE Select); coding-DNA position 1028, T replaced by A.
Protein change: p.Val343Glu; replaces valine 343 with glutamic acid.
Molecular consequence: missense variant.
Genome position (GRCh38, 1-based): chr5:233,609, T>A. VCF-style: chr5-233609-T-A. GRCh37 (hg19) VCF-style: chr5-233724-T-A.
Other names: c.884T>A, p.Val295Glu (NM_001294332.2); c.1028T>A, p.Val343Glu (NM_001330758.2); short protein forms V295E, V343E.
Identifiers: ClinVar variation 861976 (VCV000861976.15), dbSNP rs1218116319, ClinGen allele CA359012916.